The following is an entry in ClinVar:

ClinVar aggregate classification (germline): Uncertain significance (1 of 4 stars; one submission).

Submission:

GeneDx
Classification: Uncertain significance. Last evaluated: 2025-06-17. Review status: criteria provided, single submitter. Criteria: GeneDx Variant Classification Process June 2021. Collection method: clinical testing. Allele origin: germline. Affected: yes.
Comment: Not observed at significant frequency in large population cohorts (gnomAD); In silico analysis supports that this missense variant has a deleterious effect on protein structure/function; Has not been previously published as pathogenic or benign to our knowledge

NM_001205293.3(CACNA1E):c.4914T>A (p.Ser1638Arg)

Gene: CACNA1E (calcium voltage-gated channel subunit alpha1 E; plus strand). Cytogenetic location: 1q25.3.
Variant type: single nucleotide variant.
Coding change: c.4914T>A on transcript NM_001205293.3 (MANE Select); coding-DNA position 4914, T replaced by A.
Protein change: p.Ser1638Arg; replaces serine 1638 with arginine.
Molecular consequence: missense variant.
Genome position (GRCh38, 1-based): chr1:181,771,325, T>A. VCF-style: chr1-181771325-T-A. GRCh37 (hg19) VCF-style: chr1-181740461-T-A.
Other names: c.4914T>A, p.Ser1638Arg (NM_000721.4); c.4857T>A, p.Ser1619Arg (NM_001205294.2); short protein forms S1619R, S1638R.
Identifiers: ClinVar variation 4538687 (VCV004538687.1).
Genomic context (GRCh38, chr1:181,771,325, plus strand): 5'-ACTGTTTTCTGTTGTTTCTCTCCTCAAGGTATTTGGAAACATAAAATTAGACGAGGAGAG[T>A]CACATCAACCGGCACAACAACTTCCGGAGTTTCTTTGGGTCCCTAATGCTACTCTTCAGG-3'
Protein context (NP_001192222.1, residues 1628-1648): VFGNIKLDEE[Ser1638Arg]HINRHNNFRS